The following is an entry in ClinVar:

NM_181552.4(CUX1):c.2490G>A (p.Pro830=)

Gene: CUX1 (cut like homeobox 1; plus strand). Cytogenetic location: 7q22.1.
Variant type: single nucleotide variant.
Coding change: c.2490G>A on transcript NM_181552.4 (MANE Select); coding-DNA position 2490, G replaced by A.
Protein change: p.Pro830=; no amino-acid change (proline 830 retained).
Molecular consequence: synonymous variant. On other transcripts: intron variant (5).
Genome position (GRCh38, 1-based): chr7:102,201,787, G>A. VCF-style: chr7-102201787-G-A. GRCh37 (hg19) VCF-style: chr7-101845067-G-A.
Other names: c.2523G>A, p.Pro841= (NM_001202543.2); c.1255+6184G>A (NM_001913.5); c.1249+6184G>A (NM_181500.4); c.1117+6184G>A (NM_001202545.3); c.1207+6184G>A (NM_001202544.3); c.1138+6184G>A (NM_001202546.3).
Identifiers: ClinVar variation 4085493 (VCV004085493.8).

ClinVar aggregate classification (germline): Likely benign (1 of 4 stars; one submission).

gnomAD v4.1: 41 of 1,612,622 alleles (0.0025%); highest among the groups gnomAD compares: South Asian, 0.018%; no homozygotes.

Submission:

CeGaT Center for Human Genetics Tuebingen
Classification: Likely benign. Last evaluated: 2025-07-01. Review status: criteria provided, single submitter. Criteria: CeGaT Center For Human Genetics Tuebingen Variant Classification Criteria Version 2. Collection method: clinical testing. Allele origin: germline. Affected: yes. Observed: 1 variant allele.
Comment: CUX1: BP4, BP7